The following is an entry in ClinVar:

NM_006389.5(HYOU1):c.2320A>G (p.Lys774Glu)

Gene: HYOU1 (hypoxia up-regulated 1; minus strand). Cytogenetic location: 11q23.3.
Variant type: single nucleotide variant.
Coding change: c.2320A>G on transcript NM_006389.5 (MANE Select); coding-DNA position 2320, A replaced by G.
Protein change: p.Lys774Glu; replaces lysine 774 with glutamic acid.
Molecular consequence: missense variant.
Genome position (GRCh38, 1-based): chr11:119,048,304, T>C on the plus strand (A>G on the coding strand, the complement: HYOU1 is on the minus strand). VCF-style: chr11-119048304-T-C. GRCh37 (hg19) VCF-style: chr11-118919016-T-C.
Other names: c.2320A>G, p.Lys774Glu (NM_001130991.3); c.2320A>G (NM_006389.3); short protein forms K774E.
Identifiers: ClinVar variation 1507187 (VCV001507187.7), dbSNP rs2134683116, ClinGen allele CA382925009.

ClinVar aggregate classification (germline): Uncertain significance. Review status: criteria provided, multiple submitters, no conflicts (2 of 4 stars). 2 submissions from 2 submitters: Uncertain significance (2). Last evaluated 2025-07-12.

Submissions (2):

Ambry Genetics
Classification: Uncertain significance. Last evaluated: 2025-07-12. Review status: criteria provided, single submitter. Criteria: Ambry Variant Classification Scheme 2023. Collection method: clinical testing. Allele origin: germline.

Labcorp Genetics (formerly Invitae), Labcorp
Classification: Uncertain significance. Last evaluated: 2021-02-03. Review status: criteria provided, single submitter. Criteria: Invitae Variant Classification Sherloc (09022015). Collection method: clinical testing. Allele origin: germline.
Comment: This variant is not present in population databases (ExAC no frequency). This sequence change replaces lysine with glutamic acid at codon 774 of the HYOU1 protein (p.Lys774Glu). The lysine residue is weakly conserved and there is a small physicochemical difference between lysine and glutamic acid. This variant has not been reported in the literature in individuals with HYOU1-related conditions. Algorithms developed to predict the effect of missense changes on protein structure and function are either unavailable or do not agree on the potential impact of this missense change (SIFT: "Not Available"; PolyPhen-2: "Benign"; Align-GVGD: "Not Available"). In summary, the available evidence is currently insufficient to determine the role of this variant in disease. Therefore, it has been classified as a Variant of Uncertain Significance.